The following is an entry in ClinVar:

ClinVar aggregate classification (germline): Pathogenic (1 of 4 stars; one submission).

Allele frequency attached by ClinVar (database versions not stated): TOPMed below 0.00001; ExAC 0.00001; gnomAD 0.00001; gnomAD exomes 0.00001; ESP Exome Variant Server 0.00008.
gnomAD v4.1: 16 of 1,613,798 alleles (0.00099%); highest among the groups gnomAD compares: Non-Finnish European, 0.0014%; no homozygotes.

Submission:

Labcorp Genetics (formerly Invitae), Labcorp
Classification: Pathogenic. Last evaluated: 2021-08-03. Review status: criteria provided, single submitter. Criteria: Invitae Variant Classification Sherloc (09022015). Collection method: clinical testing. Allele origin: germline.
Comment: This sequence change creates a premature translational stop signal (p.Arg1557*) in the EIF2AK4 gene. It is expected to result in an absent or disrupted protein product. Loss-of-function variants in EIF2AK4 are known to be pathogenic (PMID: 29743074, 28972005, 12215525, 24310610). This variant is present in population databases (rs372637398, ExAC 0.001%). This variant has not been reported in the literature in individuals with EIF2AK4-related conditions. For these reasons, this variant has been classified as Pathogenic.

Literature cited by the submitters: PubMed 29743074; PubMed 28972005; PubMed 12215525; PubMed 24310610.

NM_001013703.4(EIF2AK4):c.4669C>T (p.Arg1557Ter)

Gene: EIF2AK4 (eukaryotic translation initiation factor 2 alpha kinase 4; plus strand). Cytogenetic location: 15q15.1.
Variant type: single nucleotide variant.
Coding change: c.4669C>T on transcript NM_001013703.4 (MANE Select); coding-DNA position 4669, C replaced by T.
Protein change: p.Arg1557Ter; replaces arginine 1557 with a stop codon.
Molecular consequence: nonsense.
Genome position (GRCh38, 1-based): chr15:40,032,178, C>T. VCF-style: chr15-40032178-C-T. GRCh37 (hg19) VCF-style: chr15-40324379-C-T.
Other names: short protein forms R1557*.
Identifiers: ClinVar variation 1431295 (VCV001431295.6), dbSNP rs372637398, ClinGen allele CA7474722.
Genomic context (GRCh38, chr15:40,032,178, plus strand): 5'-GAAAGATGGCTTGGTTTAACATGTTCTGAATTCCATTTTCTTACTATTTAGGTACAAACT[C>T]GACTTCAGACCTCCCTTGCCAACTTACATCAGAAAAGCAGTGAAATTGAAATTCTGGCTG-3'